The following is an entry in ClinVar:

ClinVar aggregate classification (germline): Uncertain significance. Review status: criteria provided, multiple submitters, no conflicts (2 of 4 stars). 2 submissions from 2 submitters: Uncertain significance (2). Last evaluated 2024-03-20.

Conditions:
Inborn genetic diseases. Identifiers: MedGen C0950123, MeSH D030342.
Dyskeratosis congenita, autosomal dominant 6 (DKCA6). Identifiers: Orphanet 3322, MedGen C4225284, MONDO:0014690, OMIM 616553.

Allele frequency attached by ClinVar (database versions not stated): gnomAD 0.00001; TOPMed below 0.00001; gnomAD exomes 0.00002.
gnomAD v4.1: 15 of 1,613,962 alleles (0.00093%); highest among the groups gnomAD compares: Non-Finnish European, 0.0013%; no homozygotes.

Submissions (2):

Labcorp Genetics (formerly Invitae), Labcorp
Classification: Uncertain significance for Dyskeratosis congenita, autosomal dominant 6. Last evaluated: 2024-03-20. Review status: criteria provided, single submitter. Criteria: Invitae Variant Classification Sherloc (09022015). Collection method: clinical testing. Allele origin: germline.
Comment: This sequence change replaces aspartic acid, which is acidic and polar, with tyrosine, which is neutral and polar, at codon 229 of the ACD protein (p.Asp229Tyr). This variant is not present in population databases (gnomAD no frequency). This variant has not been reported in the literature in individuals affected with ACD-related conditions. ClinVar contains an entry for this variant (Variation ID: 1755837). Advanced modeling of protein sequence and biophysical properties (such as structural, functional, and spatial information, amino acid conservation, physicochemical variation, residue mobility, and thermodynamic stability) performed at Invitae indicates that this missense variant is expected to disrupt ACD protein function with a positive predictive value of 80%. In summary, the available evidence is currently insufficient to determine the role of this variant in disease. Therefore, it has been classified as a Variant of Uncertain Significance.

Ambry Genetics
Classification: Uncertain significance for Inborn genetic diseases. Last evaluated: 2024-02-04. Review status: criteria provided, single submitter. Criteria: Ambry Variant Classification Scheme 2023. Collection method: clinical testing. Allele origin: germline.
Comment: The p.D229Y variant (also known as c.685G>T), located in coding exon 5 of the ACD gene, results from a G to T substitution at nucleotide position 685. The aspartic acid at codon 229 is replaced by tyrosine, an amino acid with highly dissimilar properties. This amino acid position is conserved. In addition, this alteration is predicted to be tolerated by in silico analysis. Since supporting evidence is limited at this time, the clinical significance of this alteration remains unclear.

NM_001082486.2(ACD):c.427G>T (p.Asp143Tyr)

Gene: ACD (ACD shelterin complex subunit and telomerase recruitment factor; minus strand). Cytogenetic location: 16q22.1.
Variant type: single nucleotide variant.
Coding change: c.427G>T on transcript NM_001082486.2 (MANE Select); coding-DNA position 427, G replaced by T.
Protein change: p.Asp143Tyr; replaces aspartic acid 143 with tyrosine.
Molecular consequence: missense variant.
Genome position (GRCh38, 1-based): chr16:67,659,406, C>A on the plus strand (G>T on the coding strand, the complement: ACD is on the minus strand). VCF-style: chr16-67659406-C-A. GRCh37 (hg19) VCF-style: chr16-67693309-C-A.
Other names: c.427G>T, p.Asp143Tyr (NM_001410884.1); c.418G>T, p.Asp140Tyr (NM_022914.3); short protein forms D143Y, D140Y.
Identifiers: ClinVar variation 1755837 (VCV001755837.7), dbSNP rs1257437432, ClinGen allele CA396354927.